The following is an entry in ClinVar:

NM_005475.3(SH2B3):c.927-27C>G

Gene: SH2B3 (SH2B adaptor protein 3; plus strand). Cytogenetic location: 12q24.12.
Variant type: single nucleotide variant.
Coding change: c.927-27C>G on transcript NM_005475.3 (MANE Select); 27 bases into the intron before coding-DNA position 927, C replaced by G.
Molecular consequence: intron variant.
Genome position (GRCh38, 1-based): chr12:111,447,098, C>G. VCF-style: chr12-111447098-C-G. GRCh37 (hg19) VCF-style: chr12-111884902-C-G.
Other names: c.321-27C>G (NM_001291424.1).
Identifiers: ClinVar variation 5036697 (VCV005036697.1).

ClinVar aggregate classification (germline): Uncertain significance (1 of 4 stars; one submission).

Conditions:
Myeloproliferative neoplasm. Identifiers: Orphanet 98274, MedGen C1292778, MONDO:0020076.

gnomAD v4.1: 32 of 1,610,708 alleles (0.002%); highest among the groups gnomAD compares: East Asian, 0.051%; no homozygotes.

Submission:

Dept of Medical Biology, Uskudar University
Classification: Uncertain significance for Myeloproliferative neoplasm. Last evaluated: 2026-09-23. Review status: criteria provided, single submitter. Criteria: Dept of Medical Biology Variant Classification. Collection method: research. Allele origin: unknown. Affected: yes. Observed: 1 variant allele.
Comment: BS1: gnomAD v4.1 allele frequency 1.9e-05 in exomes and 5.0e-04 in the East Asian population (grpmax filtering allele frequency 3.5e-04, above 2.5e-04; PMID:28518168). BS1 alone is not sufficient for a likely benign classification. Classified as uncertain significance under the ACMG/AMP 2015 guidelines (PMID:25741868). Detected in a retrospective series of 256 BCR::ABL1-negative and JAK2 V617F-negative patients referred for molecular investigation of a suspected myeloproliferative neoplasm (May 2007 to January 2015) and re-interpreted under the ACMG/AMP 2015 criteria.